The following is an entry in ClinVar:

NM_017654.4(SAMD9):c.4610A>G (p.Asn1537Ser)

Gene: SAMD9 (sterile alpha motif domain containing 9; minus strand). Cytogenetic location: 7q21.2.
Variant type: single nucleotide variant.
Coding change: c.4610A>G on transcript NM_017654.4 (MANE Select); coding-DNA position 4610, A replaced by G.
Protein change: p.Asn1537Ser; replaces asparagine 1537 with serine.
Molecular consequence: missense variant.
Genome position (GRCh38, 1-based): chr7:93,101,488, T>C on the plus strand (A>G on the coding strand, the complement: SAMD9 is on the minus strand). VCF-style: chr7-93101488-T-C. GRCh37 (hg19) VCF-style: chr7-92730801-T-C.
Other names: c.4610A>G, p.Asn1537Ser (NM_001193307.2); c.4610A>G (NM_017654.3); short protein forms N1537S.
Identifiers: ClinVar variation 2093948 (VCV002093948.2), dbSNP rs2535352803, ClinGen allele CA368177118.

ClinVar aggregate classification (germline): Uncertain significance. Review status: criteria provided, multiple submitters, no conflicts (2 of 4 stars). 2 submissions from 2 submitters: Uncertain significance (2). Last evaluated 2025-03-20.

Conditions:
Inborn genetic diseases. Identifiers: MedGen C0950123, MeSH D030342.

Allele frequency attached by ClinVar (database versions not stated): gnomAD exomes 0.00001.
gnomAD v4.1: 9 of 1,613,820 alleles (0.00056%); highest among the groups gnomAD compares: Non-Finnish European, 0.00068%; no homozygotes.

Submissions (2):

Ambry Genetics
Classification: Uncertain significance for Inborn genetic diseases. Last evaluated: 2025-03-20. Review status: criteria provided, single submitter. Criteria: Ambry Variant Classification Scheme 2023. Collection method: clinical testing. Allele origin: germline.
Comment: The p.N1537S variant (also known as c.4610A>G), located in coding exon 1 of the SAMD9 gene, results from an A to G substitution at nucleotide position 4610. The asparagine at codon 1537 is replaced by serine, an amino acid with highly similar properties. This amino acid position is conserved. In addition, this alteration is predicted to be tolerated by in silico analysis. Based on the available evidence, the clinical significance of this variant remains unclear.

Labcorp Genetics (formerly Invitae), Labcorp
Classification: Uncertain significance. Last evaluated: 2022-06-13. Review status: criteria provided, single submitter. Criteria: Invitae Variant Classification Sherloc (09022015). Collection method: clinical testing. Allele origin: germline.
Comment: This sequence change replaces asparagine, which is neutral and polar, with serine, which is neutral and polar, at codon 1537 of the SAMD9 protein (p.Asn1537Ser). This variant is not present in population databases (gnomAD no frequency). This variant has not been reported in the literature in individuals affected with SAMD9-related conditions. Algorithms developed to predict the effect of missense changes on protein structure and function (SIFT, PolyPhen-2, Align-GVGD) all suggest that this variant is likely to be tolerated. In summary, the available evidence is currently insufficient to determine the role of this variant in disease. Therefore, it has been classified as a Variant of Uncertain Significance.